The following is an entry in ClinVar:

NM_001211.6(BUB1B):c.686A>C (p.Glu229Ala)

Gene: BUB1B (BUB1 mitotic checkpoint serine/threonine kinase B; plus strand). Cytogenetic location: 15q15.1.
Variant type: single nucleotide variant.
Coding change: c.686A>C on transcript NM_001211.6 (MANE Select); coding-DNA position 686, A replaced by C.
Protein change: p.Glu229Ala; replaces glutamic acid 229 with alanine.
Molecular consequence: missense variant.
Genome position (GRCh38, 1-based): chr15:40,183,818, A>C. VCF-style: chr15-40183818-A-C. GRCh37 (hg19) VCF-style: chr15-40476019-A-C.
Other names: short protein forms E229A.
Identifiers: ClinVar variation 1755870 (VCV001755870.3), dbSNP rs754283832, ClinGen allele CA7475539.
Genomic context (GRCh38, chr15:40,183,818, plus strand): 5'-AGAAAGAAGAAGAGGAGGAAGTTTTTGAGTCTTCTGTACCACAACGAAGCACACTAGCTG[A>C]ACTAAAGAGCAAAGGGAAAAAGACAGCAAGAGCTCCAATCATCCGTGTAGGAGGTGCTCT-3'
Protein context (NP_001202.5, residues 219-239): SSVPQRSTLA[Glu229Ala]LKSKGKKTAR

ClinVar aggregate classification (germline): Uncertain significance (1 of 4 stars; one submission).

Conditions:
Inborn genetic diseases. Identifiers: MedGen C0950123, MeSH D030342.

Allele frequency attached by ClinVar (database versions not stated): gnomAD 0.00002; ExAC 0.00014.

Submission:

Ambry Genetics
Classification: Uncertain significance for Inborn genetic diseases. Last evaluated: 2024-06-08. Review status: criteria provided, single submitter. Criteria: Ambry Variant Classification Scheme 2023. Collection method: clinical testing. Allele origin: germline.
Comment: The p.E229A variant (also known as c.686A>C), located in coding exon 6 of the BUB1B gene, results from an A to C substitution at nucleotide position 686. The glutamic acid at codon 229 is replaced by alanine, an amino acid with dissimilar properties. This amino acid position is conserved. In addition, this alteration is predicted to be tolerated by in silico analysis. Since supporting evidence is limited at this time, the clinical significance of this alteration remains unclear.